The following is an entry in ClinVar:

NM_013975.4(LIG3):c.3002G>A (p.Arg1001Gln)

Gene: LIG3 (DNA ligase 3; plus strand). Cytogenetic location: 17q12.
Variant type: single nucleotide variant.
Coding change: c.3002G>A on transcript NM_013975.4 (MANE Select); coding-DNA position 3002, G replaced by A.
Protein change: p.Arg1001Gln; replaces arginine 1001 with glutamine.
Molecular consequence: missense variant.
Genome position (GRCh38, 1-based): chr17:35,004,478, G>A. VCF-style: chr17-35004478-G-A. GRCh37 (hg19) VCF-style: chr17-33331497-G-A.
Other names: short protein forms R1001Q.
Identifiers: ClinVar variation 4689543 (VCV004689543.1).

ClinVar aggregate classification (germline): Uncertain significance (1 of 4 stars; one submission).

gnomAD v4.1: 231 of 1,613,912 alleles (0.014%); highest among the groups gnomAD compares: Non-Finnish European, 0.018%; no homozygotes.

Submission:

Women's Health and Genetics/Laboratory Corporation of America, LabCorp
Classification: Uncertain significance. Last evaluated: 2026-01-08. Review status: criteria provided, single submitter. Criteria: LabCorp Variant Classification Summary - May 2015. Collection method: clinical testing. Allele origin: germline.
Comment: Variant summary: LIG3 c.3002G>A (p.Arg1001Gln) results in a conservative amino acid change in the encoded protein sequence. Algorithms developed to predict the effect of missense changes on protein structure and function are either unavailable or do not agree on the potential impact of this missense change. The variant allele was found at a frequency of 9.9e-05 in 251290 control chromosomes. This frequency is not significantly higher than estimated for disease-causing variants in LIG3, allowing no conclusion about variant significance. To our knowledge, no occurrence of c.3002G>A in individuals affected with LIG3-related conditions and no experimental evidence demonstrating its impact on protein function have been reported. No submitters have cited clinical-significance assessments for this variant to ClinVar. Based on the evidence outlined above, the variant was classified as uncertain significance.